The following is an entry in ClinVar:

NM_001372044.2(SHANK3):c.2561G>A (p.Arg854Gln)

Gene: SHANK3 (SH3 and multiple ankyrin repeat domains 3; plus strand). Cytogenetic location: 22q13.33.
Variant type: single nucleotide variant.
Coding change: c.2561G>A on transcript NM_001372044.2 (MANE Select); coding-DNA position 2561, G replaced by A.
Protein change: p.Arg854Gln; replaces arginine 854 with glutamine.
Molecular consequence: missense variant.
Genome position (GRCh38, 1-based): chr22:50,715,739, G>A. VCF-style: chr22-50715739-G-A. GRCh37 (hg19) VCF-style: chr22-51154167-G-A.
Other names: short protein forms R854Q.
Identifiers: ClinVar variation 4281110 (VCV004281110.7).

ClinVar aggregate classification (germline): Uncertain significance (1 of 4 stars; one submission).

Submission:

CeGaT Center for Human Genetics Tuebingen
Classification: Uncertain significance. Last evaluated: 2025-09-01. Review status: criteria provided, single submitter. Criteria: CeGaT Center For Human Genetics Tuebingen Variant Classification Criteria Version 2. Collection method: clinical testing. Allele origin: germline. Affected: yes. Observed: 1 variant allele.
Comment: SHANK3: PM2